The following is an entry in ClinVar:

ClinVar aggregate classification (germline): Conflicting classifications of pathogenicity. Review status: criteria provided, conflicting classifications (1 of 4 stars). 4 submissions from 4 submitters: Uncertain significance (2); Likely benign (2). Last evaluated 2025-12-16.

Conditions:
LRP5-related disorder. Also called: LRP5-related condition.

Allele frequency attached by ClinVar (database versions not stated): TOPMed 0.00009; gnomAD exomes 0.00015 and 0.00027; ExAC 0.00030; gnomAD 0.00005 and 0.00009; ESP Exome Variant Server 0.00008.
gnomAD v4.1: 234 of 1,614,072 alleles (0.014%); highest among the groups gnomAD compares: South Asian, 0.18%; no homozygotes.

Submissions (4):

Labcorp Genetics (formerly Invitae), Labcorp
Classification: Likely benign. Last evaluated: 2025-12-16. Review status: criteria provided, single submitter. Criteria: Invitae Variant Classification Sherloc (09022015). Collection method: clinical testing. Allele origin: germline.

PreventionGenetics, part of Exact Sciences
Classification: Likely benign for LRP5-related condition. Last evaluated: 2024-11-14. Review status: criteria provided, single submitter. Criteria: ACMG Guidelines, 2015. Collection method: clinical testing. Allele origin: germline.
Comment: This variant is classified as likely benign based on ACMG/AMP sequence variant interpretation guidelines (Richards et al. 2015 PMID: 25741868, with internal and published modifications).

Blueprint Genetics
Classification: Uncertain significance. Last evaluated: 2024-04-09. Review status: criteria provided, single submitter. Criteria: ACMG Guidelines, 2015. Collection method: clinical testing. Allele origin: germline.

Revvity Omics, Revvity
Classification: Uncertain significance. Last evaluated: 2019-03-04. Review status: criteria provided, single submitter. Criteria: ACMG Guidelines, 2015. Collection method: clinical testing. Allele origin: germline.

NM_002335.4(LRP5):c.3697G>A (p.Asp1233Asn)

Gene: LRP5 (LDL receptor related protein 5; plus strand). Cytogenetic location: 11q13.2.
Variant type: single nucleotide variant.
Coding change: c.3697G>A on transcript NM_002335.4 (MANE Select); coding-DNA position 3697, G replaced by A.
Protein change: p.Asp1233Asn; replaces aspartic acid 1233 with asparagine.
Molecular consequence: missense variant.
Genome position (GRCh38, 1-based): chr11:68,429,634, G>A. VCF-style: chr11-68429634-G-A. GRCh37 (hg19) VCF-style: chr11-68197102-G-A.
Other names: c.1954G>A, p.Asp652Asn (NM_001291902.2); short protein forms D1233N, D652N.
Identifiers: ClinVar variation 757466 (VCV000757466.14), dbSNP rs146388120, ClinGen allele CA6150076.